The following is an entry in ClinVar:

ClinVar aggregate classification (germline): Benign/Likely benign. Review status: criteria provided, multiple submitters, no conflicts (2 of 4 stars). 5 submissions from 5 submitters: Benign (4); Likely benign (1). Last evaluated 2026-02-01.

Conditions:
Jeune thoracic dystrophy. Also called: Infantile thoracic dystrophy; Thoracic pelvic phalangeal dystrophy; Jeune's syndrome; Chondroectodermal dysplasia-like syndrome; Short-rib thoracic dysplasia; Jeune syndrome. Identifiers: Orphanet 474, MedGen C0265275, MONDO:0018770.
Asphyxiating thoracic dystrophy 3. Also called: SHORT-RIB THORACIC DYSPLASIA 3 WITH OR WITHOUT POLYDACTYLY; POLYDACTYLY WITH NEONATAL CHONDRODYSTROPHY, TYPE I; SHORT-RIB THORACIC DYSPLASIA 3/6 WITH POLYDACTYLY, DIGENIC; Short rib polydactyly syndrome 2B; Saldino-Noonan Syndrome. Identifiers: Orphanet 474, Orphanet 93269, Orphanet 93270, Orphanet 93271, MedGen C0036069, MONDO:0013127, OMIM 613091.

Allele frequency attached by ClinVar (database versions not stated): ESP Exome Variant Server 0.00333; gnomAD 0.00333 and 0.00344; TOPMed 0.00377; 1000 Genomes Project 0.00539; 1000 Genomes Project 30x 0.00609.
gnomAD v4.1: 1,254 of 1,606,482 alleles (0.078%); highest among the groups gnomAD compares: African/African-American, 1.1%; 14 homozygotes.

Submissions (5):

Labcorp Genetics (formerly Invitae), Labcorp
Classification: Benign for Jeune thoracic dystrophy. Last evaluated: 2026-02-01. Review status: criteria provided, single submitter. Criteria: Invitae Variant Classification Sherloc (09022015). Collection method: clinical testing. Allele origin: germline.

Blueprint Genetics
Classification: Likely benign. Last evaluated: 2024-11-01. Review status: criteria provided, single submitter. Criteria: ACMG Guidelines, 2015. Collection method: clinical testing. Allele origin: germline.

ARUP Laboratories, Molecular Genetics and Genomics, ARUP Laboratories
Classification: Benign for Asphyxiating thoracic dystrophy 3. Last evaluated: 2023-11-29. Review status: criteria provided, single submitter. Criteria: ARUP Molecular Germline Variant Investigation Process 2024. Collection method: clinical testing. Allele origin: germline.

GeneDx
Classification: Benign. Last evaluated: 2017-11-27. Review status: criteria provided, single submitter. Criteria: GeneDx Variant Classification (06012015). Collection method: clinical testing. Allele origin: germline. Affected: yes.
Comment: This variant is considered likely benign or benign based on one or more of the following criteria: it is a conservative change, it occurs at a poorly conserved position in the protein, it is predicted to be benign by multiple in silico algorithms, and/or has population frequency not consistent with disease.

Eurofins Ntd Llc (ga)
Classification: Benign. Last evaluated: 2017-08-24. Review status: criteria provided, single submitter. Criteria: EGL Classification Definitions 2015. Collection method: clinical testing. Allele origin: germline. Observed: 1 variant allele, 1 heterozygote.

NM_001377.3(DYNC2H1):c.3012T>C (p.Gly1004=)

Gene: DYNC2H1 (dynein cytoplasmic 2 heavy chain 1; plus strand). Cytogenetic location: 11q22.3.
Variant type: single nucleotide variant.
Coding change: c.3012T>C on transcript NM_001377.3 (MANE Select); coding-DNA position 3012, T replaced by C.
Protein change: p.Gly1004=; no amino-acid change (glycine 1004 retained).
Molecular consequence: synonymous variant.
Genome position (GRCh38, 1-based): chr11:103,152,201, T>C. VCF-style: chr11-103152201-T-C. GRCh37 (hg19) VCF-style: chr11-103022930-T-C.
Other names: c.3012T>C, p.Gly1004= (NM_001080463.2).
Identifiers: ClinVar variation 302024 (VCV000302024.28), dbSNP rs202082545, ClinGen allele CA6253238.